The following is an entry in ClinVar:

ClinVar aggregate classification (germline): Pathogenic. Review status: reviewed by expert panel (3 of 4 stars). 4 submissions from 4 submitters: Pathogenic (1). 3 of the submissions do not count toward it. Last evaluated 2023-12-09.

Conditions:
Hereditary thrombocytopenia and hematological cancer predisposition syndrome associated with RUNX1. Also called: Familial Platelet Disorder with Propensity to Acute Myelogenous Leukemia; Familial thrombocytopenia with propensity to acute myelogenous leukemia; PLATELET DISORDER, ASPIRIN-LIKE; RUNX1 Familial Platelet Disorder with Associated Myeloid Malignancies. Identifiers: Orphanet 71290, MedGen C1832388, MeSH C563324, MONDO:0100083, OMIM 601399.
Acute myeloid leukemia (AML). Also called: Acute myeloid leukemia, adult; AML adult; Acute non-lymphocytic leukemia; Acute granulocytic leukemia; Leukemia, acute myelogenous, somatic; Leukemia, acute myeloid, somatic. Identifiers: Orphanet 519, MedGen C0023467, MeSH D015470, MONDO:0018874, OMIM 601626, HP:0004808. Disease mechanism: Constitutively activated FLT3.

Submissions (4):

ClinGen Myeloid Malignancy Variant Curation Expert Panel
Classification: Pathogenic for Hereditary thrombocytopenia and hematological cancer predisposition syndrome associated with RUNX1. Last evaluated: 2023-12-09. Review status: reviewed by expert panel. Criteria: ClinGen MyeloMalig ACMG Specifications v2. Collection method: curation. Allele origin: germline. Inheritance: Autosomal dominant inheritance.
Comment: The NM_001754.5(RUNX1):c.166_196del (p.Leu56ProfsTer6) variant in RUNX1 is a frameshift variant predicted to cause a premature stop codon in biologically relevant exon 4/9 leading to nonsense mediated decay in a gene in which loss-of-function is an established disease mechanism (PVS1). This variant is absent from gnomAD v2, v3, and v4 with at least 20x coverage (PM2_Supporting). It has also been reported in a patient with MDS, but variant origin is unclear (- Papaemmanuil Lab, 2022). Furthermore, other pathogenic/likely pathogenic frameshift alterations in exon 4 have been reported (PMID: 35764482) (PM5_Supporting). In summary, this variant meets the criteria to be classified as pathogenic for autosomal dominant hereditary thrombocytopenia and hematologic cancer predisposition syndrome based on the ACMG/AMP criteria applied, as specified by the ClinGen Myeloid Malignancy VCEP: PVS1, PS4_Moderate, PM2_Supporting, and PM5_Supporting. (Version 2; date of approval)

Fulgent Genetics
Classification: Pathogenic for Hereditary thrombocytopenia and hematological cancer predisposition syndrome associated with RUNX1; Acute myeloid leukemia. Last evaluated: 2024-03-07. Review status: criteria provided, single submitter. Criteria: ACMG Guidelines, 2015. Collection method: clinical testing. Allele origin: germline. Not counted in ClinVar's aggregate classification.

Labcorp Genetics (formerly Invitae), Labcorp
Classification: Pathogenic for Hereditary thrombocytopenia and hematological cancer predisposition syndrome associated with RUNX1. Last evaluated: 2024-03-05. Review status: criteria provided, single submitter. Criteria: Invitae Variant Classification Sherloc (09022015). Collection method: clinical testing. Allele origin: germline. Not counted in ClinVar's aggregate classification.
Comment: This sequence change creates a premature translational stop signal (p.Leu56Profs*6) in the RUNX1 gene. It is expected to result in an absent or disrupted protein product. Loss-of-function variants in RUNX1 are known to be pathogenic (PMID: 18723428, 24100448). This variant is not present in population databases (gnomAD no frequency). This variant has not been reported in the literature in individuals affected with RUNX1-related conditions. ClinVar contains an entry for this variant (Variation ID: 978818). For these reasons, this variant has been classified as Pathogenic.

Malcovati Lab, University of Pavia
Classification: Pathogenic for Hereditary thrombocytopenia and hematological cancer predisposition syndrome associated with RUNX1. Last evaluated: 2020-09-21. Review status: criteria provided, single submitter. Criteria: ACMG Guidelines, 2015. Collection method: research. Allele origin: germline. Inheritance: Autosomal dominant inheritance. Not counted in ClinVar's aggregate classification.

Literature cited by the submitters: PubMed 18723428 (cited by Labcorp Genetics (formerly Invitae), Labcorp); PubMed 24100448 (cited by Labcorp Genetics (formerly Invitae), Labcorp).

NM_001754.5(RUNX1):c.166_196del (p.Leu56fs)

Gene: RUNX1 (RUNX family transcription factor 1; minus strand). Cytogenetic location: 21q22.12.
Variant type: Deletion.
Coding change: c.166_196del on transcript NM_001754.5 (MANE Select); coding-DNA positions 166 to 196, 31 bases deleted.
Protein change: p.Leu56fs; shifts the reading frame from leucine 56.
Molecular consequence: frameshift variant.
Genome position (GRCh38, 1-based): chr21:34,886,998-34,887,028, 31 bases deleted; deleting any 31 consecutive bases within chr21:34,886,998-34,887,029 gives the same sequence; the c. name uses the placement nearest the transcript's 3' end. GRCh37 (hg19): chr21:36,259,296-36,259,326.
Other names: NM_001754.5(RUNX1):c.166_196del; p.Leu56fs; c.166_196delTTGCCGCTGGGCGCCCCGGACGCCGGCGCTG (NM_001754.5); c.85_115del, p.Leu29fs (NM_001001890.3, NM_001122607.2); short protein forms L29fs, L56fs.
Identifiers: ClinVar variation 978818 (VCV000978818.5), dbSNP rs2058002908, ClinGen allele CA913189256.